The following is an entry in ClinVar:

NM_001370595.2(COA8):c.89_108dup (p.Thr37fs)

Gene: COA8 (cytochrome c oxidase assembly factor 8; plus strand). Cytogenetic location: 14q32.33.
Variant type: Duplication.
Coding change: c.89_108dup on transcript NM_001370595.2 (MANE Select); coding-DNA positions 89 to 108, 20 bases duplicated (GCGGCGCCGAGCGCAGGGAT).
Protein change: p.Thr37fs; shifts the reading frame from threonine 37.
Molecular consequence: frameshift variant. On other transcripts: non-coding transcript variant (2).
Genome position (GRCh38, 1-based): chr14:103,563,090-103,563,109, GCGGCGCCGAGCGCAGGGAT duplicated. VCF-style (leftmost placement, unchanged base first): chr14-103563089-C-CGCGGCGCCGAGCGCAGGGAT. GRCh37 (hg19) VCF-style: chr14-104029426-C-CGCGGCGCCGAGCGCAGGGAT.
Other names: c.89_108dup, p.Thr37fs (NM_001302653.2, NM_001302654.2); short protein forms T37fs.
Identifiers: ClinVar variation 1681857 (VCV001681857.6), dbSNP rs2076099474, ClinGen allele CA2160367089.

ClinVar aggregate classification (germline): Pathogenic (1 of 4 stars; one submission).

Allele frequency attached by ClinVar (database versions not stated): gnomAD exomes below 0.00001.

Submission:

Labcorp Genetics (formerly Invitae), Labcorp
Classification: Pathogenic. Last evaluated: 2026-01-19. Review status: criteria provided, single submitter. Criteria: Invitae Variant Classification Sherloc (09022015). Collection method: clinical testing. Allele origin: germline.
Comment: This sequence change creates a premature translational stop signal (p.Thr50Alafs*27) in the APOPT1 gene. It is expected to result in an absent or disrupted protein product. Loss-of-function variants in APOPT1 are known to be pathogenic (PMID: 25175347). This variant is not present in population databases (gnomAD no frequency). This variant has not been reported in the literature in individuals affected with APOPT1-related conditions. ClinVar contains an entry for this variant (Variation ID: 1681857). For these reasons, this variant has been classified as Pathogenic.

Literature cited by the submitters: PubMed 25175347.